The following is an entry in ClinVar:

NM_006440.5(TXNRD2):c.965C>A (p.Thr322Asn)

Gene: TXNRD2 (thioredoxin reductase 2; minus strand). Cytogenetic location: 22q11.21.
Variant type: single nucleotide variant.
Coding change: c.965C>A on transcript NM_006440.5 (MANE Select); coding-DNA position 965, C replaced by A.
Protein change: p.Thr322Asn; replaces threonine 322 with asparagine.
Molecular consequence: missense variant. On other transcripts: non-coding transcript variant (1).
Genome position (GRCh38, 1-based): chr22:19,883,446, G>T on the plus strand (C>A on the coding strand, the complement: TXNRD2 is on the minus strand). VCF-style: chr22-19883446-G-T. GRCh37 (hg19) VCF-style: chr22-19870969-G-T.
Other names: c.962C>A, p.Thr321Asn (NM_001352300.2); c.875C>A, p.Thr292Asn (NM_001352301.2); c.677C>A, p.Thr226Asn (NM_001352302.2); short protein forms T292N, T226N, T321N, T322N.
Identifiers: ClinVar variation 959031 (VCV000959031.8), dbSNP rs752178604, ClinGen allele CA10103877.

ClinVar aggregate classification (germline): Uncertain significance (1 of 4 stars; one submission).

Conditions:
Primary dilated cardiomyopathy (DCM). Also called: Dilated Cardiomyopathy. Identifiers: Orphanet 217604, MedGen C0007193, MeSH D002311, MONDO:0005021, HP:0001644. Inheritance: Various modes of inheritance.

Allele frequency attached by ClinVar (database versions not stated): gnomAD exomes 0.00001; TOPMed 0.00001; ExAC 0.00002; gnomAD 0.00001.
gnomAD v4.1: 14 of 1,613,962 alleles (0.00087%); highest among the groups gnomAD compares: Non-Finnish European, 0.0012%; no homozygotes.

Submission:

Labcorp Genetics (formerly Invitae), Labcorp
Classification: Uncertain significance for Primary dilated cardiomyopathy. Last evaluated: 2025-03-07. Review status: criteria provided, single submitter. Criteria: Invitae Variant Classification Sherloc (09022015). Collection method: clinical testing. Allele origin: germline.
Comment: This sequence change replaces threonine, which is neutral and polar, with asparagine, which is neutral and polar, at codon 322 of the TXNRD2 protein (p.Thr322Asn). This variant is present in population databases (rs752178604, gnomAD 0.002%). This variant has not been reported in the literature in individuals affected with TXNRD2-related conditions. ClinVar contains an entry for this variant (Variation ID: 959031). Invitae Evidence Modeling of protein sequence and biophysical properties (such as structural, functional, and spatial information, amino acid conservation, physicochemical variation, residue mobility, and thermodynamic stability) indicates that this missense variant is expected to disrupt TXNRD2 protein function with a positive predictive value of 80%. In summary, the available evidence is currently insufficient to determine the role of this variant in disease. Therefore, it has been classified as a Variant of Uncertain Significance.